The following is an entry in ClinVar:

NM_000368.5(TSC1):c.1573A>T (p.Ser525Cys)

Gene: TSC1 (TSC complex subunit 1; minus strand). Cytogenetic location: 9q34.13.
Variant type: single nucleotide variant.
Coding change: c.1573A>T on transcript NM_000368.5 (MANE Select); coding-DNA position 1573, A replaced by T.
Protein change: p.Ser525Cys; replaces serine 525 with cysteine.
Molecular consequence: missense variant. On other transcripts: non-coding transcript variant (5).
Genome position (GRCh38, 1-based): chr9:132,906,005, T>A on the plus strand (A>T on the coding strand, the complement: TSC1 is on the minus strand). VCF-style: chr9-132906005-T-A. GRCh37 (hg19) VCF-style: chr9-135781392-T-A.
Other names: c.1210A>T, p.Ser404Cys (NM_001362177.2, NM_001406614.1, NM_001406615.1 and 5 more transcripts); c.1573A>T, p.Ser525Cys (NM_001406592.1, NM_001406593.1, NM_001406594.1 and 7 more transcripts); c.1570A>T, p.Ser524Cys (NM_001406597.1, NM_001406598.1, NM_001406599.1 and 6 more transcripts); c.1420A>T, p.Ser474Cys (NM_001162427.2, NM_001406610.1); c.1417A>T, p.Ser473Cys (NM_001406611.1, NM_001406612.1, NM_001406613.1); c.520A>T, p.Ser174Cys (NM_001406629.1, NM_001406630.1); c.1207A>T, p.Ser403Cys (NM_001406620.1, NM_001406621.1, NM_001406622.1 and 2 more transcripts); c.622A>T, p.Ser208Cys (NM_001406626.1); and 1 more; short protein forms S208C, S174C, S207C, S404C, S473C, S524C, S525C, S403C.
Identifiers: ClinVar variation 2703776 (VCV002703776.3), dbSNP rs1845647074, ClinGen allele CA375365017.

ClinVar aggregate classification (germline): Uncertain significance (1 of 4 stars; one submission).

Conditions:
Tuberous sclerosis 1 (TSC1). Identifiers: Orphanet 805, MedGen C1854465, MONDO:0008612, OMIM 191100.

Submission:

Labcorp Genetics (formerly Invitae), Labcorp
Classification: Uncertain significance for Tuberous sclerosis 1. Last evaluated: 2023-12-17. Review status: criteria provided, single submitter. Criteria: Invitae Variant Classification Sherloc (09022015). Collection method: clinical testing. Allele origin: germline.
Comment: This sequence change replaces serine, which is neutral and polar, with cysteine, which is neutral and slightly polar, at codon 525 of the TSC1 protein (p.Ser525Cys). This variant is not present in population databases (gnomAD no frequency). This variant has not been reported in the literature in individuals affected with TSC1-related conditions. Advanced modeling of protein sequence and biophysical properties (such as structural, functional, and spatial information, amino acid conservation, physicochemical variation, residue mobility, and thermodynamic stability) performed at Invitae indicates that this missense variant is not expected to disrupt TSC1 protein function with a negative predictive value of 95%. In summary, the available evidence is currently insufficient to determine the role of this variant in disease. Therefore, it has been classified as a Variant of Uncertain Significance.